The following is an entry in ClinVar:

NM_017882.3(CLN6):c.180_181del (p.Phe60fs)

Gene: CLN6 (CLN6 transmembrane ER protein; minus strand). Cytogenetic location: 15q23.
Variant type: Deletion.
Coding change: c.180_181del on transcript NM_017882.3 (MANE Select); coding-DNA positions 180 to 181, 2 bases deleted (TG; older notation c.180_181delTG).
Protein change: p.Phe60fs; shifts the reading frame from phenylalanine 60.
Molecular consequence: frameshift variant.
Genome position (GRCh38, 1-based): chr15:68,218,553-68,218,554, CA deleted on the plus strand (TG on the coding strand, the reverse complement: CLN6 is on the minus strand). VCF-style (leftmost placement, unchanged base first): chr15-68218552-CCA-C. GRCh37 (hg19) VCF-style: chr15-68510890-CCA-C.
Other names: c.180_181del (NM_017882.2); c.276_277delTG, p.Phe92Leufs (NM_001411068.1); short protein forms F60fs.
Identifiers: ClinVar variation 2101649 (VCV002101649.5), dbSNP rs2505421714, ClinGen allele CA2580089916.

ClinVar aggregate classification (germline): Pathogenic/Likely pathogenic. Review status: criteria provided, multiple submitters, no conflicts (2 of 4 stars). 2 submissions from 2 submitters: Pathogenic (1); Likely pathogenic (1). Last evaluated 2025-04-12.

Conditions:
Neuronal ceroid lipofuscinosis. Also called: Neuronal Ceroid Lipofuscinoses. Identifiers: Orphanet 216, Orphanet 79263, MedGen C0027877, MONDO:0016295. Disease mechanism: loss of function.
Ceroid lipofuscinosis, neuronal, 6A. Also called: Neuronal ceroid lipofuscinosis, Gypsy/Indian early juvenile variant; Neuronal ceroid lipofuscinosis 6; CLN6-Related Neuronal Ceroid-Lipofuscinosis; Neuronal ceroid lipofuscinosis, late infantile, variant. Identifiers: Orphanet 168491, Orphanet 228363, MedGen C5551375, MONDO:0011144, OMIM 601780.

Submissions (2):

Natera, Inc.
Classification: Likely pathogenic for Ceroid lipofuscinosis, neuronal, 6A. Last evaluated: 2025-04-12. Review status: criteria provided, single submitter. Criteria: Natera Variant Classification Schema (03/2026). Collection method: clinical testing. Allele origin: germline.
Comment: The c.180_181del variant in CLN6 is a frameshift variant predicted to shift the reading frame beginning at codon 60 and leads to a stop codon 71 codons downstream. This variant is expected to result in nonsense mediated decay, truncation, or a dysfunctional protein product. This variant is rare in the general population with a frequency below the threshold expected for the associated phenotype(s). Given the available evidence, this variant is classified as Likely Pathogenic.

Labcorp Genetics (formerly Invitae), Labcorp
Classification: Pathogenic for Neuronal ceroid lipofuscinosis. Last evaluated: 2023-05-29. Review status: criteria provided, single submitter. Criteria: Invitae Variant Classification Sherloc (09022015). Collection method: clinical testing. Allele origin: germline.
Comment: For these reasons, this variant has been classified as Pathogenic. ClinVar contains an entry for this variant (Variation ID: 2101649). This variant has not been reported in the literature in individuals affected with CLN6-related conditions. This variant is not present in population databases (gnomAD no frequency). This sequence change creates a premature translational stop signal (p.Phe60Leufs*71) in the CLN6 gene. It is expected to result in an absent or disrupted protein product. Loss-of-function variants in CLN6 are known to be pathogenic (PMID: 19135028).

Literature cited by the submitters: PubMed 19135028 (cited by Labcorp Genetics (formerly Invitae), Labcorp).